The following is an entry in ClinVar:

NM_006393.3(NEBL):c.2326G>A (p.Ala776Thr)

Gene: NEBL (nebulette; minus strand). Cytogenetic location: 10p12.31.
Variant type: single nucleotide variant.
Coding change: c.2326G>A on transcript NM_006393.3 (MANE Select); coding-DNA position 2326, G replaced by A.
Protein change: p.Ala776Thr; replaces alanine 776 with threonine.
Molecular consequence: missense variant. On other transcripts: intron variant (9).
Genome position (GRCh38, 1-based): chr10:20,813,959, C>T on the plus strand (G>A on the coding strand, the complement: NEBL is on the minus strand). VCF-style: chr10-20813959-C-T. GRCh37 (hg19) VCF-style: chr10-21102888-C-T.
Other names: c.250-1019G>A (NM_001377326.1, NM_001377327.1, NM_001377328.1); c.358-1019G>A (NM_213569.2, NM_001173484.2, NM_001377322.1); c.301-1019G>A (NM_001377324.1); c.292-1019G>A (NM_001377325.1); c.310-1019G>A (NM_001377323.1); short protein forms A776T.
Identifiers: ClinVar variation 3404005 (VCV003404005.3).
Genomic context (GRCh38, chr10:20,813,959, plus strand): 5'-TTCCTTAGCATGTTTTAAGAATGATCTGGTTGGACCCTACCATTGAAATATGATTTTGTG[C>T]TTCTTTAACATGTCTCATAGCAGGTGTATCTAAAATCAGACTTGGTCTACCTTTCATCTG-3'
Protein context (NP_006384.1, residues 766-786): DTPAMRHVKE[Ala776Thr]QNHISMVKYH

ClinVar aggregate classification (germline): Uncertain significance. Review status: criteria provided, multiple submitters, no conflicts (2 of 4 stars). 2 submissions from 2 submitters: Uncertain significance (2). Last evaluated 2025-02-03.

Conditions:
Primary dilated cardiomyopathy (DCM). Also called: Dilated Cardiomyopathy. Identifiers: Orphanet 217604, MedGen C0007193, MeSH D002311, MONDO:0005021, HP:0001644. Inheritance: Various modes of inheritance.

gnomAD v4.1: 14 of 1,602,304 alleles (0.00087%); highest among the groups gnomAD compares: Non-Finnish European, 0.0012%; no homozygotes.

Submissions (2):

Labcorp Genetics (formerly Invitae), Labcorp
Classification: Uncertain significance for Primary dilated cardiomyopathy. Last evaluated: 2025-02-03. Review status: criteria provided, single submitter. Criteria: Invitae Variant Classification Sherloc (09022015). Collection method: clinical testing. Allele origin: germline.
Comment: This sequence change replaces alanine, which is neutral and non-polar, with threonine, which is neutral and polar, at codon 776 of the NEBL protein (p.Ala776Thr). This variant is present in population databases (rs143012792, gnomAD 0.003%). This variant has not been reported in the literature in individuals affected with NEBL-related conditions. ClinVar contains an entry for this variant (Variation ID: 3404005). An algorithm developed to predict the effect of missense changes on protein structure and function outputs the following: PolyPhen-2: "Benign". The threonine amino acid residue is found in multiple mammalian species, which suggests that this missense change does not adversely affect protein function. Algorithms developed to predict the effect of sequence changes on RNA splicing suggest that this variant may disrupt the consensus splice site. In summary, the available evidence is currently insufficient to determine the role of this variant in disease. Therefore, it has been classified as a Variant of Uncertain Significance.

Ambry Genetics
Classification: Uncertain significance. Last evaluated: 2024-09-20. Review status: criteria provided, single submitter. Criteria: Ambry Variant Classification Scheme 2023. Collection method: clinical testing. Allele origin: germline.
Comment: The p.A776T variant (also known as c.2326G>A), located in coding exon 23 of the NEBL gene, results from a G to A substitution at nucleotide position 2326. The alanine at codon 776 is replaced by threonine, an amino acid with similar properties. This amino acid position is conserved. In addition, this alteration is predicted to be tolerated by in silico analysis. Based on the available evidence, the clinical significance of this variant remains unclear.